The following is an entry in ClinVar:

ClinVar aggregate classification (germline): Conflicting classifications of pathogenicity. Review status: criteria provided, conflicting classifications (1 of 4 stars). 2 submissions from 1 submitter: Uncertain significance (1); Likely benign (1). Last evaluated 2018-01-13.

Conditions:
Neuroferritinopathy (NBIA3). Also called: NEURODEGENERATION WITH BRAIN IRON ACCUMULATION 3; BASAL GANGLIA DISEASE, ADULT-ONSET. Identifiers: Orphanet 157846, MedGen C1853578, MONDO:0011638, OMIM 606159.
Hereditary hyperferritinemia with congenital cataracts. Also called: Hereditary hyperferritinemia cataract syndrome; Bonneau-Beaumont syndrome; HYPERFERRITINEMIA WITH OR WITHOUT CATARACT. Identifiers: Orphanet 163, MedGen C1833213, MONDO:0010952, OMIM 600886.

gnomAD v4.1: 16 of 1,613,808 alleles (0.00099%); highest among the groups gnomAD compares: South Asian, 0.014%; no homozygotes.

Submissions (2):

Illumina Laboratory Services, Illumina
Classification: Likely benign for Neuroferritinopathy. Last evaluated: 2018-01-13. Review status: criteria provided, single submitter. Criteria: ICSL Variant Classification Criteria 13 December 2019. Collection method: clinical testing. Allele origin: germline.
Comment: This variant was observed in the ICSL laboratory as part of a predisposition screen in an ostensibly healthy population. It had not been previously curated by ICSL or reported in the Human Gene Mutation Database (HGMD: prior to June 1st, 2018), and was therefore a candidate for classification through an automated scoring system. Utilizing variant allele frequency, disease prevalence and penetrance estimates, and inheritance mode, an automated score was calculated to assess if this variant is too frequent to cause the disease. Based on the score and internal cut-off values, a variant classified as likely benign is not then subjected to further curation. The score for this variant resulted in a classification of likely benign for this disease.

Illumina Laboratory Services, Illumina
Classification: Uncertain significance for Hereditary hyperferritinemia with congenital cataracts. Last evaluated: 2018-01-13. Review status: criteria provided, single submitter. Criteria: ICSL Variant Classification Criteria 13 December 2019. Collection method: clinical testing. Allele origin: germline.

NM_000146.4(FTL):c.103-14A>C

Gene: FTL (ferritin light chain; plus strand). Cytogenetic location: 19q13.33.
Variant type: single nucleotide variant.
Coding change: c.103-14A>C on transcript NM_000146.4 (MANE Select); 14 bases into the intron before coding-DNA position 103, A replaced by C.
Molecular consequence: intron variant.
Genome position (GRCh38, 1-based): chr19:48,965,756, A>C. VCF-style: chr19-48965756-A-C. GRCh37 (hg19) VCF-style: chr19-49469013-A-C.
Identifiers: ClinVar variation 894480 (VCV000894480.4), dbSNP rs769222073, ClinGen allele CA9562442.